The following is an entry in ClinVar:

NM_005120.3(MED12):c.4132C>G (p.Leu1378Val)

Gene: MED12 (mediator complex subunit 12; plus strand). Cytogenetic location: Xq13.1.
Variant type: single nucleotide variant.
Coding change: c.4132C>G on transcript NM_005120.3 (MANE Select); coding-DNA position 4132, C replaced by G.
Protein change: p.Leu1378Val; replaces leucine 1378 with valine.
Molecular consequence: missense variant.
Genome position (GRCh38, 1-based): chrX:71,132,085, C>G. VCF-style: chrX-71132085-C-G. GRCh37 (hg19) VCF-style: chrX-70351935-C-G.
Other names: short protein forms L1378V.
Identifiers: ClinVar variation 4698052 (VCV004698052.1).

ClinVar aggregate classification (germline): Uncertain significance (1 of 4 stars; one submission).

Conditions:
FG syndrome (FGS). Identifiers: MedGen C0220769, MONDO:0002010.

Submission:

Labcorp Genetics (formerly Invitae), Labcorp
Classification: Uncertain significance for FG syndrome. Last evaluated: 2025-02-10. Review status: criteria provided, single submitter. Criteria: Invitae Variant Classification Sherloc (09022015). Collection method: clinical testing. Allele origin: germline.
Comment: This sequence change replaces leucine, which is neutral and non-polar, with valine, which is neutral and non-polar, at codon 1378 of the MED12 protein (p.Leu1378Val). This variant is not present in population databases (gnomAD no frequency). This variant has not been reported in the literature in individuals affected with MED12-related conditions. Invitae Evidence Modeling of protein sequence and biophysical properties (such as structural, functional, and spatial information, amino acid conservation, physicochemical variation, residue mobility, and thermodynamic stability) indicates that this missense variant is expected to disrupt MED12 protein function with a positive predictive value of 95%. In summary, the available evidence is currently insufficient to determine the role of this variant in disease. Therefore, it has been classified as a Variant of Uncertain Significance.